The following is an entry in ClinVar:

ClinVar aggregate classification (germline): Uncertain significance (1 of 4 stars; one submission).

Conditions:
Primary ciliary dyskinesia. Also called: Ciliary dyskinesia. Identifiers: Orphanet 244, MedGen C0008780, MONDO:0016575, HP:0012265.

gnomAD v4.1: 13 of 1,597,718 alleles (0.00081%); highest among the groups gnomAD compares: South Asian, 0.0022%; no homozygotes.

Submission:

Ambry Genetics
Classification: Uncertain significance for Primary ciliary dyskinesia. Last evaluated: 2018-04-30. Review status: criteria provided, single submitter. Criteria: Ambry Variant Classification Scheme 2023. Collection method: clinical testing. Allele origin: germline.
Comment: The p.A371T variant (also known as c.1111G>A), located in coding exon 7 of the CCDC40 gene, results from a G to A substitution at nucleotide position 1111. The alanine at codon 371 is replaced by threonine, an amino acid with similar properties. This amino acid position is poorly conserved in available vertebrate species. In addition, this alteration is predicted to be tolerated by in silico analysis. Since supporting evidence is limited at this time, the clinical significance of this alteration remains unclear.

NM_017950.4(CCDC40):c.1111G>A (p.Ala371Thr)

Gene: CCDC40 (coiled-coil domain 40 molecular ruler complex subunit; plus strand). Cytogenetic location: 17q25.3.
Variant type: single nucleotide variant.
Coding change: c.1111G>A on transcript NM_017950.4 (MANE Select); coding-DNA position 1111, G replaced by A.
Protein change: p.Ala371Thr; replaces alanine 371 with threonine.
Molecular consequence: missense variant.
Genome position (GRCh38, 1-based): chr17:80,050,235, G>A. VCF-style: chr17-80050235-G-A. GRCh37 (hg19) VCF-style: chr17-78024034-G-A.
Other names: c.1111G>A, p.Ala371Thr (NM_001243342.2, NM_001330508.2); short protein forms A371T.
Identifiers: ClinVar variation 1795292 (VCV001795292.2), dbSNP rs1198869526, ClinGen allele CA401355780.